The following is an entry in ClinVar:

ClinVar aggregate classification (germline): Pathogenic (1 of 4 stars; one submission).

Conditions:
Autosomal recessive limb-girdle muscular dystrophy type 2O. Also called: Limb-Girdle Muscular Dystrophy Type 3C; MUSCULAR DYSTROPHY-DYSTROGLYCANOPATHY (LIMB-GIRDLE), TYPE C, 3; MUSCULAR DYSTROPHY-DYSTROGLYCANOPATHY, LIMB-GIRDLE, POMGNT1-RELATED. Identifiers: Orphanet 206564, MedGen C3150417, MONDO:0013161, OMIM 613157.
Muscular dystrophy-dystroglycanopathy (congenital with impaired intellectual development), type B, 3. Also called: MUSCULAR DYSTROPHY, CONGENITAL, POMGNT1-RELATED; Muscular dystrophy-dystroglycanopathy (congenital with intellectual disability), type B3. Identifiers: MedGen C3150412, MONDO:0013155, OMIM 613151.

Allele frequency attached by ClinVar (database versions not stated): gnomAD exomes below 0.00001; TOPMed below 0.00001.

Submission:

Labcorp Genetics (formerly Invitae), Labcorp
Classification: Pathogenic for Autosomal recessive limb-girdle muscular dystrophy type 2O; Muscular dystrophy-dystroglycanopathy (congenital with impaired intellectual development), type B, 3. Last evaluated: 2024-02-24. Review status: criteria provided, single submitter. Criteria: Invitae Variant Classification Sherloc (09022015). Collection method: clinical testing. Allele origin: germline.
Comment: This sequence change affects the initiator methionine of the POMGNT1 mRNA. The next in-frame methionine is located at codon 144. This variant is not present in population databases (gnomAD no frequency). Disruption of the initiator codon has been observed in individual(s) with congenital muscular dystrophy (PMID: 28688748). ClinVar contains an entry for this variant (Variation ID: 2015596). This variant disrupts a region of the POMGNT1 protein in which other variant(s) (p.Arg129Trp) have been determined to be pathogenic (PMID: 28688748, 30961548, 34324503; Invitae). This suggests that this is a clinically significant region of the protein, and that variants that disrupt it are likely to be disease-causing. For these reasons, this variant has been classified as Pathogenic.

Literature cited by the submitters: PubMed 28688748; PubMed 30961548; PubMed 34324503.

NM_017739.4(POMGNT1):c.1A>G (p.Met1Val)

Gene: POMGNT1 (protein O-linked mannose N-acetylglucosaminyltransferase 1 (beta 1,2-); minus strand). Cytogenetic location: 1p34.1.
Variant type: single nucleotide variant.
Coding change: c.1A>G on transcript NM_017739.4 (MANE Select); coding-DNA position 1, A replaced by G.
Protein change: p.Met1Val; changes the start codon (methionine 1).
Molecular consequence: missense variant, initiator codon variant.
Genome position (GRCh38, 1-based): chr1:46,197,821, T>C on the plus strand (A>G on the coding strand, the complement: POMGNT1 is on the minus strand). VCF-style: chr1-46197821-T-C. GRCh37 (hg19) VCF-style: chr1-46663493-T-C.
Other names: c.1A>G, p.Met1Val (NM_001243766.2, NM_001410783.1); short protein forms M1V.
Identifiers: ClinVar variation 2015596 (VCV002015596.5), dbSNP rs1658367194, ClinGen allele CA340193553.